The following is an entry in ClinVar:

NM_130839.5(UBE3A):c.419G>T (p.Arg140Ile)

Genes: SNHG14 (small nucleolar RNA host gene 14; plus strand), UBE3A (ubiquitin protein ligase E3A; minus strand). Cytogenetic location: 15q11.2.
Variant type: single nucleotide variant.
Coding change: c.419G>T on transcript NM_130839.5 (MANE Select); coding-DNA position 419, G replaced by T.
Protein change: p.Arg140Ile; replaces arginine 140 with isoleucine.
Molecular consequence: missense variant. On other transcripts: non-coding transcript variant (1), intron variant (2).
Genome position (GRCh38, 1-based): chr15:25,371,755, C>A on the plus strand (G>T on the coding strand, the complement: UBE3A is on the minus strand). VCF-style: chr15-25371755-C-A. GRCh37 (hg19) VCF-style: chr15-25616902-C-A.
Other names: c.428G>T, p.Arg143Ile (NM_000462.5); c.419G>T, p.Arg140Ile (NM_001354505.1, NM_001354538.2, NM_001354545.2); c.359G>T, p.Arg120Ile (NM_001354506.2, NM_001354507.2, NM_001354508.2 and 17 more transcripts); c.242G>T, p.Arg81Ile (NM_001354546.2); c.301+3710G>T (NM_001354551.2); c.361+3710G>T (NM_001354550.2); short protein forms R120I, R140I, R143I, R81I.
Identifiers: ClinVar variation 4976701 (VCV004976701.1).

ClinVar aggregate classification (germline): Uncertain significance (1 of 4 stars; one submission).

Submission:

GeneDx
Classification: Uncertain significance. Last evaluated: 2026-03-06. Review status: criteria provided, single submitter. Criteria: GeneDx Variant Classification Process June 2021. Collection method: clinical testing. Allele origin: germline.
Comment: Not observed at significant frequency in large population cohorts (gnomAD); In silico analysis suggests that this missense variant does not alter protein structure/function; Has not been previously published as pathogenic or benign to our knowledge